The following is an entry in ClinVar:

NM_178014.4(TUBB):c.202C>A (p.Leu68Ile)

Gene: TUBB (tubulin beta class I; plus strand). Cytogenetic location: 6p21.33.
Variant type: single nucleotide variant.
Coding change: c.202C>A on transcript NM_178014.4 (MANE Select); coding-DNA position 202, C replaced by A.
Protein change: p.Leu68Ile; replaces leucine 68 with isoleucine.
Molecular consequence: missense variant. On other transcripts: 5 prime UTR variant (2), non-coding transcript variant (1).
Genome position (GRCh38, 1-based): chr6:30,722,953, C>A. VCF-style: chr6-30722953-C-A. GRCh37 (hg19) VCF-style: chr6-30690730-C-A.
Other names: c.262C>A, p.Leu88Ile (NM_001293212.2); c.202C>A, p.Leu68Ile (NM_001293213.2); c.70C>A, p.Leu24Ile (NM_001293214.2); c.-15C>A (NM_001293215.2, NM_001293216.2); short protein forms L24I, L68I, L88I.
Identifiers: ClinVar variation 3343375 (VCV003343375.1).

ClinVar aggregate classification (germline): Likely pathogenic (1 of 4 stars; one submission).

Submission:

GeneDx
Classification: Likely pathogenic. Last evaluated: 2024-03-27. Review status: criteria provided, single submitter. Criteria: GeneDx Variant Classification Process June 2021. Collection method: clinical testing. Allele origin: germline. Affected: yes.
Comment: Not observed at significant frequency in large population cohorts (gnomAD); In silico analysis supports that this missense variant does not alter protein structure/function; Has not been previously published as pathogenic or benign to our knowledge